The following is an entry in ClinVar:

ClinVar aggregate classification (germline): Uncertain significance (1 of 4 stars; one submission).

gnomAD v4.1: 1 of 1,612,720 alleles (0.000062%); highest among the groups gnomAD compares: Non-Finnish European, 0.000085%; no homozygotes.

Submission:

Labcorp Genetics (formerly Invitae), Labcorp
Classification: Uncertain significance. Last evaluated: 2025-07-09. Review status: criteria provided, single submitter. Criteria: Invitae Variant Classification Sherloc (09022015). Collection method: clinical testing. Allele origin: germline.
Comment: This sequence change replaces cysteine, which is neutral and slightly polar, with serine, which is neutral and polar, at codon 742 of the WFS1 protein (p.Cys742Ser). This variant is present in population databases (no rsID available, gnomAD 0.003%). This variant has not been reported in the literature in individuals affected with WFS1-related conditions. ClinVar contains an entry for this variant (Variation ID: 1369350). Invitae Evidence Modeling of protein sequence and biophysical properties (such as structural, functional, and spatial information, amino acid conservation, physicochemical variation, residue mobility, and thermodynamic stability) has been performed for this missense variant. However, the output from this modeling did not meet the statistical confidence thresholds required to predict the impact of this variant on WFS1 protein function. In summary, the available evidence is currently insufficient to determine the role of this variant in disease. Therefore, it has been classified as a Variant of Uncertain Significance.

NM_006005.3(WFS1):c.2225G>C (p.Cys742Ser)

Gene: WFS1 (wolframin ER transmembrane glycoprotein; plus strand). Cytogenetic location: 4p16.1.
Variant type: single nucleotide variant.
Coding change: c.2225G>C on transcript NM_006005.3 (MANE Select); coding-DNA position 2225, G replaced by C.
Protein change: p.Cys742Ser; replaces cysteine 742 with serine.
Molecular consequence: missense variant.
Genome position (GRCh38, 1-based): chr4:6,302,020, G>C. VCF-style: chr4-6302020-G-C. GRCh37 (hg19) VCF-style: chr4-6303747-G-C.
Other names: c.2225G>C, p.Cys742Ser (NM_001145853.1); short protein forms C742S.
Identifiers: ClinVar variation 1369350 (VCV001369350.8), dbSNP rs775216682, ClinGen allele CA356178170.
Genomic context (GRCh38, chr4:6,302,020, plus strand): 5'-TGCTCCCGTTCTTCATCGGCGACTGGATGCGCTGCCTCTACGGCGAGGCCTACCCTGCCT[G>C]CAGCCCTGGCAACACCTCCACGGCCGAGGAGGAGCTCTGTCGCCTTAAGCTGCTGGCCAA-3'
Protein context (NP_005996.2, residues 732-752): RCLYGEAYPA[Cys742Ser]SPGNTSTAEE